The following is an entry in ClinVar:

ClinVar aggregate classification (germline): Conflicting classifications of pathogenicity. Review status: criteria provided, conflicting classifications (1 of 4 stars). 2 submissions from 2 submitters: Likely pathogenic (1); Uncertain significance (1). Last evaluated 2023-07-18.

Conditions:
TUBB4B-related disorder. Also called: TUBB4B-related condition.

Submissions (2):

Blueprint Genetics
Classification: Likely pathogenic for TUBB4B-related disorders. Last evaluated: 2023-07-18. Review status: criteria provided, single submitter. Criteria: ACMG Guidelines, 2015. Collection method: clinical testing. Allele origin: germline. Affected: yes. Observed: 5 variant alleles.

GeneDx
Classification: Uncertain significance. Last evaluated: 2023-03-13. Review status: criteria provided, single submitter. Criteria: GeneDx Variant Classification Process June 2021. Collection method: clinical testing. Allele origin: germline. Affected: yes.
Comment: Not observed at significant frequency in large population cohorts (gnomAD); In silico analysis supports that this missense variant has a deleterious effect on protein structure/function; Has not been previously published as pathogenic or benign to our knowledge

NM_006088.6(TUBB4B):c.785G>A (p.Arg262Gln)

Gene: TUBB4B (tubulin beta 4B class IVb; plus strand). Cytogenetic location: 9q34.3.
Variant type: single nucleotide variant.
Coding change: c.785G>A on transcript NM_006088.6 (MANE Select); coding-DNA position 785, G replaced by A.
Protein change: p.Arg262Gln; replaces arginine 262 with glutamine.
Molecular consequence: missense variant.
Genome position (GRCh38, 1-based): chr9:137,243,003, G>A. VCF-style: chr9-137243003-G-A. GRCh37 (hg19) VCF-style: chr9-140137455-G-A.
Other names: short protein forms R262Q.
Identifiers: ClinVar variation 2580024 (VCV002580024.2), dbSNP rs2538829412, ClinGen allele CA375753190.